The following is an entry in ClinVar:

NM_000517.6(HBA2):c.95+1G>C

Genes: HBA2 (hemoglobin subunit alpha 2; plus strand), LOC106804612 (hemoglobin subunit alpha 2 recombination region; plus strand). Cytogenetic location: 16p13.3.
Variant type: single nucleotide variant.
Coding change: c.95+1G>C on transcript NM_000517.6 (MANE Select); the canonical splice donor site of the intron after coding-DNA position 95, G replaced by C.
Molecular consequence: splice donor variant.
Genome position (GRCh38, 1-based): chr16:173,008, G>C. VCF-style: chr16-173008-G-C. GRCh37 (hg19) VCF-style: chr16-223007-G-C.
Other names: c.95+1G>C (NM_000517.5).
Identifiers: ClinVar variation 2921026 (VCV002921026.3), dbSNP rs63750158, ClinGen allele CA393993205.

ClinVar aggregate classification (germline): Pathogenic. Review status: criteria provided, multiple submitters, no conflicts (2 of 4 stars). 2 submissions from 2 submitters: Pathogenic (2). Last evaluated 2025-04-22.

Conditions:
alpha Thalassemia. Also called: Alpha thalassemia spectrum. Identifiers: Orphanet 846, MedGen C0002312, MONDO:0011399, OMIM 604131.

Submissions (2):

Natera, Inc.
Classification: Pathogenic for Alpha thalassemia. Last evaluated: 2025-04-22. Review status: criteria provided, single submitter. Criteria: Natera Variant Classification Schema (03/2026). Collection method: clinical testing. Allele origin: germline.
Comment: The c.95+1G>C variant in HBA2 is a canonical splice donor site variant predicted to affect pre-mRNA splicing, which may result in an abnormal transcript and altered protein product. This variant is expected to result in nonsense mediated decay, truncation, or a dysfunctional protein product. This variant is rare in the general population with a frequency below the threshold expected for the associated phenotype(s). Another variant at this same site results in an alteration predicted to cause a similar molecular effect has been observed in individual(s) with the associated phenotype. Given the available evidence, this variant is classified as Pathogenic.

ARUP Laboratories, Molecular Genetics and Genomics, ARUP Laboratories
Classification: Pathogenic. Last evaluated: 2024-03-29. Review status: criteria provided, single submitter. Criteria: ARUP Molecular Germline Variant Investigation Process 2024. Collection method: clinical testing. Allele origin: germline.
Comment: The HBA2 c.95+1G>C variant, to our knowledge, is not reported in the medical literature or gene specific databases. This variant is also absent from the Genome Aggregation Database, indicating it is not a common polymorphism. However, other variants at this nucleotide (c.95+1G>A, c.95+1G>T) have been reported in individuals with microcytosis and hypochromia and are considered pathogenic (Waye 2009, HbVar ID: 2597). This variant disrupts the canonical splice donor site of intron 1, which is likely to negatively impact gene function. Based on available information, this variant is considered to be pathogenic. References: Link to HbVar database: Waye JS et al. alpha-Thalassemia caused by two novel splice mutations of the alpha2-globin gene: IVS-I-1 (G>A and G>T). Hemoglobin. 2009;33(6):519-22. PMID: 19958200.